The following is an entry in ClinVar:

NM_000271.5(NPC1):c.612C>T (p.Thr204=)

Gene: NPC1 (NPC intracellular cholesterol transporter 1; minus strand). Cytogenetic location: 18q11.2.
Variant type: single nucleotide variant.
Coding change: c.612C>T on transcript NM_000271.5 (MANE Select); coding-DNA position 612, C replaced by T.
Protein change: p.Thr204=; no amino-acid change (threonine 204 retained).
Molecular consequence: synonymous variant.
Genome position (GRCh38, 1-based): chr18:23,561,379, G>A on the plus strand (C>T on the coding strand, the complement: NPC1 is on the minus strand). VCF-style: chr18-23561379-G-A. GRCh37 (hg19) VCF-style: chr18-21141343-G-A.
Identifiers: ClinVar variation 197651 (VCV000197651.31), dbSNP rs151084683, ClinGen allele CA202999.

ClinVar aggregate classification (germline): Benign/Likely benign. Review status: criteria provided, multiple submitters, no conflicts (2 of 4 stars). 11 submissions from 11 submitters: Benign (5); Likely benign (2). 4 of the submissions do not count toward it. Last evaluated 2026-02-03.

Conditions:
Inborn genetic diseases. Identifiers: MedGen C0950123, MeSH D030342.
Niemann-Pick disease, type C1. Also called: NEUROVISCERAL STORAGE DISEASE WITH VERTICAL SUPRANUCLEAR OPHTHALMOPLEGIA; NIEMANN-PICK DISEASE WITH CHOLESTEROL ESTERIFICATION BLOCK; NIEMANN-PICK DISEASE WITHOUT SPHINGOMYELINASE DEFICIENCY; NIEMANN-PICK DISEASE, CHRONIC NEURONOPATHIC FORM; NIEMANN-PICK DISEASE, VARIANT TYPE C1. Identifiers: Orphanet 646, MedGen C3179455, MONDO:0009757, OMIM 257220.

Allele frequency attached by ClinVar (database versions not stated): gnomAD 0.00122 and 0.00222; ESP Exome Variant Server 0.00131; TOPMed 0.00142; gnomAD exomes 0.00303 and 0.00496; ExAC 0.00557; 1000 Genomes Project 30x 0.00796; 1000 Genomes Project 0.00879.
gnomAD v4.1: 4,842 of 1,614,192 alleles (0.3%); highest among the groups gnomAD compares: South Asian, 2.8%; 69 homozygotes.

Submissions (11):

Labcorp Genetics (formerly Invitae), Labcorp
Classification: Benign for Niemann-Pick disease, type C1. Last evaluated: 2026-02-03. Review status: criteria provided, single submitter. Criteria: Invitae Variant Classification Sherloc (09022015). Collection method: clinical testing. Allele origin: germline.

Ambry Genetics
Classification: Likely benign for Inborn genetic diseases. Last evaluated: 2022-04-19. Review status: criteria provided, single submitter. Criteria: Ambry Variant Classification Scheme 2023. Collection method: clinical testing. Allele origin: germline.

Fulgent Genetics
Classification: Likely benign for Niemann-Pick disease, type C1. Last evaluated: 2021-09-02. Review status: criteria provided, single submitter. Criteria: ACMG Guidelines, 2015. Collection method: clinical testing. Allele origin: unknown.

GeneDx
Classification: Benign. Last evaluated: 2019-01-03. Review status: criteria provided, single submitter. Criteria: GeneDx Variant Classification Process June 2021. Collection method: clinical testing. Allele origin: germline. Affected: yes.

Illumina Laboratory Services, Illumina
Classification: Benign for Niemann-Pick disease type C1. Last evaluated: 2018-01-13. Review status: criteria provided, single submitter. Criteria: ICSL Variant Classification Criteria 13 December 2019. Collection method: clinical testing. Allele origin: germline.
Comment: This variant was observed in the ICSL laboratory as part of a predisposition screen in an ostensibly healthy population. It had not been previously curated by ICSL or reported in the Human Gene Mutation Database (HGMD: prior to June 1st, 2018), and was therefore a candidate for classification through an automated scoring system. Utilizing variant allele frequency, disease prevalence and penetrance estimates, and inheritance mode, an automated score was calculated to assess if this variant is too frequent to cause the disease. Based on the score and internal cut-off values, a variant classified as benign is not then subjected to further curation. The score for this variant resulted in a classification of benign for this disease.

Eurofins Ntd Llc (ga)
Classification: Benign. Last evaluated: 2017-09-26. Review status: criteria provided, single submitter. Criteria: EGL Classification Definitions 2015. Collection method: clinical testing. Allele origin: germline. Observed: 2 variant alleles, 2 heterozygotes.

PreventionGenetics, part of Exact Sciences
Classification: Benign. Review status: criteria provided, single submitter. Criteria: ACMG Guidelines, 2015. Collection method: clinical testing. Allele origin: germline.

Natera, Inc.
Classification: Benign for Niemann-Pick disease type C1. Last evaluated: 2020-09-16. Review status: no assertion criteria provided. Collection method: clinical testing. Allele origin: germline. Not counted in ClinVar's aggregate classification.

Clinical Genetics DNA and cytogenetics Diagnostics Lab, Erasmus MC, Erasmus Medical Center
Classification: Likely benign. Review status: no assertion criteria provided. Collection method: clinical testing. Allele origin: germline. Affected: yes. Study: VKGL Data-share Consensus. Not counted in ClinVar's aggregate classification.

Diagnostic Laboratory, Department of Genetics, University Medical Center Groningen
Classification: Likely benign. Review status: no assertion criteria provided. Collection method: clinical testing. Allele origin: germline. Affected: yes. Study: VKGL Data-share Consensus. Not counted in ClinVar's aggregate classification.

Genome Diagnostics Laboratory, Amsterdam University Medical Center
Classification: Likely benign. Review status: no assertion criteria provided. Collection method: clinical testing. Allele origin: germline. Affected: yes. Study: VKGL Data-share Consensus. Not counted in ClinVar's aggregate classification.